The following is an entry in ClinVar:

ClinVar aggregate classification (germline): Uncertain significance (1 of 4 stars; one submission).

gnomAD v4.1: 4 of 1,614,002 alleles (0.00025%); highest among the groups gnomAD compares: Non-Finnish European, 0.00034%; no homozygotes.

Submission:

GeneDx
Classification: Uncertain significance. Last evaluated: 2026-04-07. Review status: criteria provided, single submitter. Criteria: GeneDx Variant Classification Process June 2021. Collection method: clinical testing. Allele origin: germline.
Comment: Not observed at significant frequency in large population cohorts (gnomAD); In silico analysis supports that this missense variant has a deleterious effect on protein structure/function; Has not been previously published as pathogenic or benign to our knowledge

NM_004371.4(COPA):c.902C>G (p.Pro301Arg)

Gene: COPA (coat protein complex I subunit alpha; minus strand). Cytogenetic location: 1q23.2.
Variant type: single nucleotide variant.
Coding change: c.902C>G on transcript NM_004371.4 (MANE Select); coding-DNA position 902, C replaced by G.
Protein change: p.Pro301Arg; replaces proline 301 with arginine.
Molecular consequence: missense variant.
Genome position (GRCh38, 1-based): chr1:160,313,108, G>C on the plus strand (C>G on the coding strand, the complement: COPA is on the minus strand). VCF-style: chr1-160313108-G-C. GRCh37 (hg19) VCF-style: chr1-160282898-G-C.
Other names: c.902C>G, p.Pro301Arg (NM_001098398.2); short protein forms P301R.
Identifiers: ClinVar variation 5018286 (VCV005018286.1).